The following is an entry in ClinVar:

NM_001080467.3(MYO5B):c.1169A>G (p.Lys390Arg)

Gene: MYO5B (myosin VB; minus strand). Cytogenetic location: 18q21.1.
Variant type: single nucleotide variant.
Coding change: c.1169A>G on transcript NM_001080467.3 (MANE Select); coding-DNA position 1169, A replaced by G.
Protein change: p.Lys390Arg; replaces lysine 390 with arginine.
Molecular consequence: missense variant.
Genome position (GRCh38, 1-based): chr18:49,974,503, T>C on the plus strand (A>G on the coding strand, the complement: MYO5B is on the minus strand). VCF-style: chr18-49974503-T-C. GRCh37 (hg19) VCF-style: chr18-47500873-T-C.
Other names: c.1169A>G (NM_001080467.2); short protein forms K390R.
Identifiers: ClinVar variation 1431453 (VCV001431453.7), dbSNP rs752466795, ClinGen allele CA8961621.

ClinVar aggregate classification (germline): Uncertain significance. Review status: criteria provided, multiple submitters, no conflicts (2 of 4 stars). 3 submissions from 3 submitters: Uncertain significance (3). Last evaluated 2025-11-07.

Conditions:
Inborn genetic diseases. Identifiers: MedGen C0950123, MeSH D030342.
MYO5B-related disorder. Also called: MYO5B-related condition.

Allele frequency attached by ClinVar (database versions not stated): TOPMed 0.00003; ExAC 0.00001; gnomAD 0.00001.
gnomAD v4.1: 9 of 1,614,078 alleles (0.00056%); highest among the groups gnomAD compares: Admixed American, 0.0033%; no homozygotes.

Submissions (3):

PreventionGenetics, part of Exact Sciences
Classification: Uncertain significance for MYO5B-related condition. Last evaluated: 2025-11-07. Review status: criteria provided, single submitter. Criteria: ACMG Guidelines, 2015. Collection method: clinical testing. Allele origin: germline.
Comment: The MYO5B c.1169A>G variant is predicted to result in the amino acid substitution p.Lys390Arg. To our knowledge, this variant has not been reported in the literature. This variant is reported in 0.0058% of alleles in individuals of Latino descent in gnomAD. At this time, the clinical significance of this variant is uncertain due to the absence of conclusive functional and genetic evidence.

Labcorp Genetics (formerly Invitae), Labcorp
Classification: Uncertain significance. Last evaluated: 2024-12-02. Review status: criteria provided, single submitter. Criteria: Invitae Variant Classification Sherloc (09022015). Collection method: clinical testing. Allele origin: germline.
Comment: This sequence change replaces lysine, which is basic and polar, with arginine, which is basic and polar, at codon 390 of the MYO5B protein (p.Lys390Arg). This variant is present in population databases (rs752466795, gnomAD 0.006%). This variant has not been reported in the literature in individuals affected with MYO5B-related conditions. ClinVar contains an entry for this variant (Variation ID: 1431453). Invitae Evidence Modeling of protein sequence and biophysical properties (such as structural, functional, and spatial information, amino acid conservation, physicochemical variation, residue mobility, and thermodynamic stability) has been performed for this missense variant. However, the output from this modeling did not meet the statistical confidence thresholds required to predict the impact of this variant on MYO5B protein function. In summary, the available evidence is currently insufficient to determine the role of this variant in disease. Therefore, it has been classified as a Variant of Uncertain Significance.

Ambry Genetics
Classification: Uncertain significance for Inborn genetic diseases. Last evaluated: 2024-11-08. Review status: criteria provided, single submitter. Criteria: Ambry Variant Classification Scheme 2023. Collection method: clinical testing. Allele origin: germline.